The following is an entry in ClinVar:

ClinVar aggregate classification (germline): Uncertain significance (1 of 4 stars; one submission).

Conditions:
Hereditary cancer-predisposing syndrome. Also called: Neoplastic Syndromes, Hereditary; Tumor predisposition; Hereditary Cancer Syndrome; Hereditary neoplastic syndrome. Identifiers: Orphanet 140162, MedGen C0027672, MeSH D009386, MONDO:0015356.

Submission:

Ambry Genetics
Classification: Uncertain significance for Hereditary cancer-predisposing syndrome. Last evaluated: 2022-07-05. Review status: criteria provided, single submitter. Criteria: Ambry Variant Classification Scheme 2023. Collection method: clinical testing. Allele origin: germline.
Comment: The p.Y291F variant (also known as c.872A>T), located in coding exon 5 of the KIT gene, results from an A to T substitution at nucleotide position 872. The tyrosine at codon 291 is replaced by phenylalanine, an amino acid with highly similar properties. This amino acid position is conserved. In addition, this alteration is predicted to be tolerated by in silico analysis. Since supporting evidence is limited at this time, the clinical significance of this alteration remains unclear.

NM_000222.3(KIT):c.872A>T (p.Tyr291Phe)

Gene: KIT (KIT proto-oncogene, receptor tyrosine kinase; plus strand). Cytogenetic location: 4q12.
Variant type: single nucleotide variant.
Coding change: c.872A>T on transcript NM_000222.3 (MANE Select); coding-DNA position 872, A replaced by T.
Protein change: p.Tyr291Phe; replaces tyrosine 291 with phenylalanine.
Molecular consequence: missense variant.
Genome position (GRCh38, 1-based): chr4:54,703,839, A>T. VCF-style: chr4-54703839-A-T. GRCh37 (hg19) VCF-style: chr4-55570005-A-T.
Other names: c.872A>T, p.Tyr291Phe (NM_001093772.2, NM_001385285.1, NM_001385286.1); c.875A>T, p.Tyr292Phe (NM_001385284.1, NM_001385288.1, NM_001385290.1 and 1 more transcripts); short protein forms Y292F, Y291F.
Identifiers: ClinVar variation 1764467 (VCV001764467.2), dbSNP rs1720610130, ClinGen allele CA356899999.